The following is an entry in ClinVar:

NM_020821.3(VPS13C):c.6634G>A (p.Val2212Met)

Gene: VPS13C (vacuolar protein sorting 13 homolog C; minus strand). Cytogenetic location: 15q22.2.
Variant type: single nucleotide variant.
Coding change: c.6634G>A on transcript NM_020821.3 (MANE Select); coding-DNA position 6634, G replaced by A.
Protein change: p.Val2212Met; replaces valine 2212 with methionine.
Molecular consequence: missense variant.
Genome position (GRCh38, 1-based): chr15:61,922,738, C>T on the plus strand (G>A on the coding strand, the complement: VPS13C is on the minus strand). VCF-style: chr15-61922738-C-T. GRCh37 (hg19) VCF-style: chr15-62214937-C-T.
Other names: c.6634G>A, p.Val2212Met (NM_001018088.3); c.6505G>A, p.Val2169Met (NM_017684.5, NM_018080.4); short protein forms V2212M, V2169M.
Identifiers: ClinVar variation 1908496 (VCV001908496.5), dbSNP rs749763416, ClinGen allele CA7595484.

ClinVar aggregate classification (germline): Uncertain significance (1 of 4 stars; one submission).

Allele frequency attached by ClinVar (database versions not stated): gnomAD exomes 0.00001; ExAC 0.00003; TOPMed 0.00003; gnomAD 0.00005.
gnomAD v4.1: 26 of 1,605,538 alleles (0.0016%); highest among the groups gnomAD compares: Admixed American, 0.026%; no homozygotes.

Submission:

Labcorp Genetics (formerly Invitae), Labcorp
Classification: Uncertain significance. Last evaluated: 2022-03-20. Review status: criteria provided, single submitter. Criteria: Invitae Variant Classification Sherloc (09022015). Collection method: clinical testing. Allele origin: germline.
Comment: This sequence change replaces valine, which is neutral and non-polar, with methionine, which is neutral and non-polar, at codon 2212 of the VPS13C protein (p.Val2212Met). This variant is present in population databases (rs749763416, gnomAD 0.02%). This variant has not been reported in the literature in individuals affected with VPS13C-related conditions. Algorithms developed to predict the effect of missense changes on protein structure and function are either unavailable or do not agree on the potential impact of this missense change (SIFT: "Tolerated"; PolyPhen-2: "Probably Damaging"; Align-GVGD: "Class C0"). In summary, the available evidence is currently insufficient to determine the role of this variant in disease. Therefore, it has been classified as a Variant of Uncertain Significance.